The following is an entry in ClinVar:

NM_001145026.2(PTPRQ):c.4826del (p.Ser1609fs)

Gene: PTPRQ (protein tyrosine phosphatase receptor type Q; plus strand). Cytogenetic location: 12q21.31.
Variant type: Deletion.
Coding change: c.4826del on transcript NM_001145026.2 (MANE Select); coding-DNA position 4826, one base deleted (C; older notation c.4826delC).
Protein change: p.Ser1609fs; shifts the reading frame from serine 1609.
Molecular consequence: frameshift variant.
Genome position (GRCh38, 1-based): chr12:80,610,533, C deleted. VCF-style (leftmost placement, unchanged base first): chr12-80610532-TC-T. GRCh37 (hg19) VCF-style: chr12-81004311-TC-T.
Other names: short protein forms S1609fs.
Identifiers: ClinVar variation 3383438 (VCV003383438.1).

ClinVar aggregate classification (germline): Pathogenic (1 of 4 stars; one submission).

Submission:

GeneDx
Classification: Pathogenic. Last evaluated: 2024-05-31. Review status: criteria provided, single submitter. Criteria: GeneDx Variant Classification Process June 2021. Collection method: clinical testing. Allele origin: germline. Affected: yes.
Comment: Frameshift variant predicted to result in protein truncation or nonsense mediated decay in a gene for which loss of function is a known mechanism of disease; Not observed at significant frequency in large population cohorts (gnomAD); This variant is associated with the following publications: (PMID: 26969326)